The following is an entry in ClinVar:

ClinVar aggregate classification (germline): Benign/Likely benign. Review status: criteria provided, multiple submitters, no conflicts (2 of 4 stars). 8 submissions from 8 submitters: Benign (6); Likely benign (1). 1 of the submissions does not count toward it. Last evaluated 2026-02-04.

Conditions:
Inflammatory bowel disease 28. Also called: Inflammatory bowel disease 28, early onset, autosomal recessive. Identifiers: Orphanet 238569, MedGen C2751053, MONDO:0013153, OMIM 613148.

Allele frequency attached by ClinVar (database versions not stated): 1000 Genomes Project 30x 0.08104; 1000 Genomes Project 0.08167; TOPMed 0.09758; gnomAD 0.11335 and 0.11453; ESP Exome Variant Server 0.11946; gnomAD exomes 0.12961 and 0.15462; ExAC 0.13157.

Submissions (8):

Labcorp Genetics (formerly Invitae), Labcorp
Classification: Benign for Inflammatory bowel disease 28. Last evaluated: 2026-02-04. Review status: criteria provided, single submitter. Criteria: Invitae Variant Classification Sherloc (09022015). Collection method: clinical testing. Allele origin: germline.

Blueprint Genetics
Classification: Likely benign. Last evaluated: 2024-11-27. Review status: criteria provided, single submitter. Criteria: ACMG Guidelines, 2015. Collection method: clinical testing. Allele origin: germline.

Mayo Clinic Laboratories, Mayo Clinic
Classification: Benign. Last evaluated: 2018-03-22. Review status: criteria provided, single submitter. Criteria: ACMG Guidelines, 2015. Collection method: clinical testing. Allele origin: germline. Observed: 355 variant alleles.

Illumina Laboratory Services, Illumina
Classification: Benign for Inflammatory bowel disease 28. Last evaluated: 2018-03-06. Review status: criteria provided, single submitter. Criteria: ICSL Variant Classification Criteria 13 December 2019. Collection method: clinical testing. Allele origin: germline.
Comment: This variant was observed in the ICSL laboratory as part of a predisposition screen in an ostensibly healthy population. It had not been previously curated by ICSL or reported in the Human Gene Mutation Database (HGMD: prior to June 1st, 2018), and was therefore a candidate for classification through an automated scoring system. Utilizing variant allele frequency, disease prevalence and penetrance estimates, and inheritance mode, an automated score was calculated to assess if this variant is too frequent to cause the disease. Based on the score and internal cut-off values, a variant classified as benign is not then subjected to further curation. The score for this variant resulted in a classification of benign for this disease.

Eurofins Ntd Llc (ga)
Classification: Benign. Last evaluated: 2015-02-28. Review status: criteria provided, single submitter. Criteria: EGL Classification Definitions 2015. Collection method: clinical testing. Allele origin: germline. Observed: 1 variant allele, 1 heterozygote.

Genome Diagnostics Laboratory, University Medical Center Utrecht
Classification: Benign for Inflammatory bowel disease 28. Last evaluated: 2014-10-09. Review status: criteria provided, single submitter. Criteria: ACGS Guidelines, 2013. Collection method: clinical testing. Allele origin: germline. Affected: yes. Study: VKGL Data-share Consensus.

Breakthrough Genomics
Classification: Benign. Review status: criteria provided, single submitter. Criteria: ACMG Guidelines, 2015. Collection method: not provided. Allele origin: germline. Inheritance: Autosomal recessive inheritance. Affected: yes.

Diagnostic Laboratory, Department of Genetics, University Medical Center Groningen
Classification: Benign for Inflammatory bowel disease 28. Review status: no assertion criteria provided. Collection method: clinical testing. Allele origin: germline. Affected: yes. Study: VKGL Data-share Consensus. Not counted in ClinVar's aggregate classification.

NM_001558.4(IL10RA):c.475A>G (p.Ser159Gly)

Gene: IL10RA (interleukin 10 receptor subunit alpha; plus strand). Cytogenetic location: 11q23.3.
Variant type: single nucleotide variant.
Coding change: c.475A>G on transcript NM_001558.4 (MANE Select); coding-DNA position 475, A replaced by G.
Protein change: p.Ser159Gly; replaces serine 159 with glycine.
Molecular consequence: missense variant. On other transcripts: non-coding transcript variant (1).
Genome position (GRCh38, 1-based): chr11:117,993,348, A>G. VCF-style: chr11-117993348-A-G. GRCh37 (hg19) VCF-style: chr11-117864063-A-G.
Other names: short protein forms S159G.
Identifiers: ClinVar variation 197197 (VCV000197197.21), dbSNP rs3135932, ClinGen allele CA202740.